The following is an entry in ClinVar:

ClinVar aggregate classification (germline): Uncertain significance (1 of 4 stars; one submission).

Conditions:
Oligodontia-cancer predisposition syndrome. Also called: TOOTH AGENESIS-COLORECTAL CANCER SYNDROME. Identifiers: Orphanet 300576, MedGen C1837750, MONDO:0012075, OMIM 608615. Disease mechanism: loss of function.

Submission:

Labcorp Genetics (formerly Invitae), Labcorp
Classification: Uncertain significance for Oligodontia-cancer predisposition syndrome. Last evaluated: 2025-06-08. Review status: criteria provided, single submitter. Criteria: Invitae Variant Classification Sherloc (09022015). Collection method: clinical testing. Allele origin: germline.
Comment: This sequence change replaces arginine, which is basic and polar, with glycine, which is neutral and non-polar, at codon 463 of the AXIN2 protein (p.Arg463Gly). Information on the frequency of this variant in the gnomAD database is not available, as this variant may be reported differently in the database. This variant has not been reported in the literature in individuals affected with AXIN2-related conditions. ClinVar contains an entry for this variant (Variation ID: 1477381). Experimental studies and prediction algorithms are not available or were not evaluated, and the functional significance of this variant is currently unknown. In summary, the available evidence is currently insufficient to determine the role of this variant in disease. Therefore, it has been classified as a Variant of Uncertain Significance.

NM_004655.4(AXIN2):c.1386_1387delinsTG (p.Arg463Gly)

Gene: AXIN2 (axin 2; minus strand). Cytogenetic location: 17q24.1.
Variant type: Indel.
Coding change: c.1386_1387delinsTG on transcript NM_004655.4 (MANE Select); coding-DNA positions 1386 to 1387, CC replaced by TG.
Protein change: p.Arg463Gly; replaces arginine 463 with glycine.
Molecular consequence: missense variant.
Genome position (GRCh38, 1-based): chr17:65,537,649-65,537,650, GG replaced by CA on the plus strand (CC replaced by TG on the coding strand, the reverse complement: AXIN2 is on the minus strand). VCF-style: chr17-65537649-GG-CA. GRCh37 (hg19) VCF-style: chr17-63533767-GG-CA.
Other names: c.1386_1387delinsTG, p.Arg463Gly (NM_001363813.1); short protein forms R463G.
Identifiers: ClinVar variation 1477381 (VCV001477381.6), dbSNP rs1555577922, ClinGen allele CA2573154694.